The following is an entry in ClinVar:

NM_002168.4(IDH2):c.848T>C (p.Ile283Thr)

Gene: IDH2 (isocitrate dehydrogenase (NADP(+)) 2; minus strand). Cytogenetic location: 15q26.1.
Variant type: single nucleotide variant.
Coding change: c.848T>C on transcript NM_002168.4 (MANE Select); coding-DNA position 848, T replaced by C.
Protein change: p.Ile283Thr; replaces isoleucine 283 with threonine.
Molecular consequence: missense variant.
Genome position (GRCh38, 1-based): chr15:90,087,231, A>G on the plus strand (T>C on the coding strand, the complement: IDH2 is on the minus strand). VCF-style: chr15-90087231-A-G. GRCh37 (hg19) VCF-style: chr15-90630463-A-G.
Other names: c.692T>C, p.Ile231Thr (NM_001289910.1); c.458T>C, p.Ile153Thr (NM_001290114.2); short protein forms I153T, I231T, I283T.
Identifiers: ClinVar variation 4883048 (VCV004883048.2).

ClinVar aggregate classification (germline): Uncertain significance (1 of 4 stars; one submission).

Submission:

Dasa
Classification: Uncertain significance. Last evaluated: 2026-02-27. Review status: criteria provided, single submitter. Criteria: DASA Assertion Criteria. Collection method: clinical testing. Allele origin: germline.
Comment: NM_002168.4(IDH2):c.848T>C (p.Ile283Thr) is a missense variant that results in the substitution of isoleucine with threonine. This variant is rare in population databases. Computational prediction algorithms are consistent with a deleterious effect. The currently available literature and clinical evidence are not sufficient to establish a definitive association between this variant and the reported condition. Therefore, this variant is classified as a variant of uncertain significance.